The following is an entry in ClinVar:

NM_004655.4(AXIN2):c.1907+16C>G

Gene: AXIN2 (axin 2; minus strand). Cytogenetic location: 17q24.1.
Variant type: single nucleotide variant.
Coding change: c.1907+16C>G on transcript NM_004655.4 (MANE Select); 16 bases into the intron after coding-DNA position 1907, C replaced by G.
Molecular consequence: intron variant.
Genome position (GRCh38, 1-based): chr17:65,536,853, G>C on the plus strand (C>G on the coding strand, the complement: AXIN2 is on the minus strand). VCF-style: chr17-65536853-G-C. GRCh37 (hg19) VCF-style: chr17-63532971-G-C.
Other names: c.1713-300C>G (NM_001363813.1); c.1907+16C>G (LRG_296t1).
Identifiers: ClinVar variation 516725 (VCV000516725.8), dbSNP rs751736675, ClinGen allele CA8718490.
Genomic context (GRCh38, chr17:65,536,853, plus strand): 5'-AACAGCCATTCCCACAATACCTCCGTACTGAGTGCCCATGACCCTCGCGGCCGCGGCGGC[G>C]GCAAGCGGTGTTTACCTATGGGGCTTGGGCTTGCTCTGCCGCTCACTCTCCAGCATCCAC-3'

ClinVar aggregate classification (germline): Likely benign. Review status: criteria provided, multiple submitters, no conflicts (2 of 4 stars). 2 submissions from 2 submitters: Likely benign (2). Last evaluated 2025-12-02.

Conditions:
Oligodontia-cancer predisposition syndrome. Also called: TOOTH AGENESIS-COLORECTAL CANCER SYNDROME. Identifiers: Orphanet 300576, MedGen C1837750, MONDO:0012075, OMIM 608615. Disease mechanism: loss of function.

Allele frequency attached by ClinVar (database versions not stated): gnomAD 0.00001; TOPMed 0.00001.
gnomAD v4.1: 7 of 1,612,506 alleles (0.00043%); highest among the groups gnomAD compares: East Asian, 0.016%; no homozygotes.

Submissions (2):

Labcorp Genetics (formerly Invitae), Labcorp
Classification: Likely benign for Oligodontia-cancer predisposition syndrome. Last evaluated: 2025-12-02. Review status: criteria provided, single submitter. Criteria: Invitae Variant Classification Sherloc (09022015). Collection method: clinical testing. Allele origin: germline.

GeneDx
Classification: Likely benign. Last evaluated: 2017-06-23. Review status: criteria provided, single submitter. Criteria: GeneDx Variant Classification (06012015). Collection method: clinical testing. Allele origin: germline. Affected: yes.
Comment: This variant is considered likely benign or benign based on one or more of the following criteria: it is a conservative change, it occurs at a poorly conserved position in the protein, it is predicted to be benign by multiple in silico algorithms, and/or has population frequency not consistent with disease.